The following is an entry in ClinVar:

ClinVar aggregate classification (germline): Uncertain significance. Review status: criteria provided, multiple submitters, no conflicts (2 of 4 stars). 4 submissions from 4 submitters: Uncertain significance (4). Last evaluated 2025-09-10.

Conditions:
Cardiovascular phenotype. Identifiers: MedGen CN230736.
Lethal congenital glycogen storage disease of heart. Also called: PHOSPHORYLASE KINASE DEFICIENCY OF HEART; GLYCOGEN STORAGE DISEASE OF HEART. Identifiers: Orphanet 439854, MedGen C1849813, MONDO:0009867, OMIM 261740.
Hypertrophic cardiomyopathy. Also called: HYPERTROPHIC MYOCARDIOPATHY. Identifiers: Orphanet 217569, MedGen C0007194, MeSH D002312, MONDO:0005045, HP:0001639.
Cardiomyopathy (CMYO). Also called: Cardiomyopathies. Identifiers: Orphanet 167848, MedGen C0878544, MONDO:0004994, HP:0001638. Inheritance: Various modes of inheritance.

Allele frequency attached by ClinVar (database versions not stated): gnomAD exomes below 0.00001; TOPMed below 0.00001; gnomAD 0.00001.
gnomAD v4.1: 3 of 1,613,870 alleles (0.00019%); highest among the groups gnomAD compares: Non-Finnish European, 0.00025%; no homozygotes.

Submissions (4):

Labcorp Genetics (formerly Invitae), Labcorp
Classification: Uncertain significance for Lethal congenital glycogen storage disease of heart. Last evaluated: 2025-09-10. Review status: criteria provided, single submitter. Criteria: Invitae Variant Classification Sherloc (09022015). Collection method: clinical testing. Allele origin: germline.
Comment: This sequence change replaces serine, which is neutral and polar, with cysteine, which is neutral and slightly polar, at codon 546 of the PRKAG2 protein (p.Ser546Cys). This variant is not present in population databases (gnomAD no frequency). This variant has not been reported in the literature in individuals affected with PRKAG2-related conditions. ClinVar contains an entry for this variant (Variation ID: 1171875). Invitae Evidence Modeling of protein sequence and biophysical properties (such as structural, functional, and spatial information, amino acid conservation, physicochemical variation, residue mobility, and thermodynamic stability) indicates that this missense variant is expected to disrupt PRKAG2 protein function with a positive predictive value of 95%. In summary, the available evidence is currently insufficient to determine the role of this variant in disease. Therefore, it has been classified as a Variant of Uncertain Significance.

Ambry Genetics
Classification: Uncertain significance for Cardiovascular phenotype. Last evaluated: 2025-05-18. Review status: criteria provided, single submitter. Criteria: Ambry Variant Classification Scheme 2023. Collection method: clinical testing. Allele origin: germline.
Comment: The p.S546C variant (also known as c.1637C>G), located in coding exon 15 of the PRKAG2 gene, results from a C to G substitution at nucleotide position 1637. The serine at codon 546 is replaced by cysteine, an amino acid with dissimilar properties. This amino acid position is highly conserved in available vertebrate species. In addition, this alteration is predicted to be deleterious by in silico analysis. Since supporting evidence is limited at this time, the clinical significance of this alteration remains unclear.

Color Diagnostics, LLC DBA Color Health
Classification: Uncertain significance for Cardiomyopathy. Last evaluated: 2024-03-07. Review status: criteria provided, single submitter. Criteria: ACMG Guidelines, 2015. Collection method: clinical testing. Allele origin: germline.
Comment: This missense variant replaces serine with cysteine at codon 546 of the PRKAG2 protein. Computational prediction suggests that this variant may have a deleterious impact on protein structure and function (internally defined REVEL score threshold >= 0.7, PMID: 27666373). To our knowledge, functional studies have not been reported for this variant. This variant has not been reported in individuals affected with PRKAG2-related disorders in the literature. This variant has not been identified in the general population by the Genome Aggregation Database (gnomAD). The available evidence is insufficient to determine the role of this variant in disease conclusively. Therefore, this variant is classified as a Variant of Uncertain Significance.

All of Us Research Program, National Institutes of Health
Classification: Uncertain significance for Hypertrophic cardiomyopathy. Last evaluated: 2023-04-27. Review status: criteria provided, single submitter. Criteria: ACMG Guidelines, 2015. Collection method: clinical testing. Allele origin: germline. Inheritance: Autosomal dominant inheritance. Observed: 2 variant alleles, 2 heterozygotes.
Comment: This missense variant replaces serine with cysteine at codon 546 of the PRKAG2 protein. Computational prediction suggests that this variant may have a deleterious impact on protein structure and function (internally defined REVEL score threshold >= 0.7, PMID: 27666373). To our knowledge, functional studies have not been reported for this variant. This variant has not been reported in individuals affected with PRKAG2-related disorders in the literature. This variant has not been identified in the general population by the Genome Aggregation Database (gnomAD). The available evidence is insufficient to determine the role of this variant in disease conclusively. Therefore, this variant is classified as a Variant of Uncertain Significance.

This study involves interpretation of variants in research participants for the purpose of population health screening. Participant phenotype was not available at the time of variant classification. Additional details can be found in publication PMID: 35346344, PMCID: PMC8962531

NM_016203.4(PRKAG2):c.1637C>G (p.Ser546Cys)

Gene: PRKAG2 (protein kinase AMP-activated non-catalytic subunit gamma 2; minus strand). Cytogenetic location: 7q36.1.
Variant type: single nucleotide variant.
Coding change: c.1637C>G on transcript NM_016203.4 (MANE Select); coding-DNA position 1637, C replaced by G.
Protein change: p.Ser546Cys; replaces serine 546 with cysteine.
Molecular consequence: missense variant.
Genome position (GRCh38, 1-based): chr7:151,560,565, G>C on the plus strand (C>G on the coding strand, the complement: PRKAG2 is on the minus strand). VCF-style: chr7-151560565-G-C. GRCh37 (hg19) VCF-style: chr7-151257651-G-C.
Other names: c.1505C>G, p.Ser502Cys (NM_001040633.2); c.1262C>G, p.Ser421Cys (NM_001304527.2); c.914C>G, p.Ser305Cys (NM_001304531.2, NM_024429.2); c.1265C>G, p.Ser422Cys (NM_001363698.2); c.1637C>G (NM_016203.3); short protein forms S305C, S421C, S422C, S502C, S546C.
Identifiers: ClinVar variation 1171875 (VCV001171875.11), dbSNP rs1584912413, ClinGen allele CA370070308.